The following is an entry in ClinVar:

NM_001130009.3(GEN1):c.2684T>C (p.Leu895Pro)

Gene: GEN1 (GEN1 structure-specific endonuclease; plus strand). Cytogenetic location: 2p24.2.
Variant type: single nucleotide variant.
Coding change: c.2684T>C on transcript NM_001130009.3 (MANE Select); coding-DNA position 2684, T replaced by C.
Protein change: p.Leu895Pro; replaces leucine 895 with proline.
Molecular consequence: missense variant.
Genome position (GRCh38, 1-based): chr2:17,781,896, T>C. VCF-style: chr2-17781896-T-C. GRCh37 (hg19) VCF-style: chr2-17963163-T-C.
Other names: c.2684T>C, p.Leu895Pro (NM_182625.5); short protein forms L895P.
Identifiers: ClinVar variation 4671442 (VCV004671442.1).

ClinVar aggregate classification (germline): Uncertain significance (1 of 4 stars; one submission).

Submission:

Ambry Genetics
Classification: Uncertain significance. Last evaluated: 2025-09-20. Review status: criteria provided, single submitter. Criteria: Ambry Variant Classification Scheme 2023. Collection method: clinical testing. Allele origin: germline.
Comment: The p.L895P variant (also known as c.2684T>C), located in coding exon 13 of the GEN1 gene, results from a T to C substitution at nucleotide position 2684. The leucine at codon 895 is replaced by proline, an amino acid with similar properties. This amino acid position is conserved. In addition, the in silico prediction for this alteration is inconclusive. Based on the available evidence, the clinical significance of this variant remains unclear.